The following is an entry in ClinVar:

ClinVar aggregate classification (germline): Uncertain significance. Review status: criteria provided, multiple submitters, no conflicts (2 of 4 stars). 2 submissions from 2 submitters: Uncertain significance (2). Last evaluated 2025-12-11.

Conditions:
PRDM5-related disorder. Also called: PRDM5-related condition.

Allele frequency attached by ClinVar (database versions not stated): TOPMed below 0.00001.
gnomAD v4.1: 30 of 1,609,362 alleles (0.0019%); highest among the groups gnomAD compares: South Asian, 0.0089%; no homozygotes.

Submissions (2):

PreventionGenetics, part of Exact Sciences
Classification: Uncertain significance for PRDM5-related condition. Last evaluated: 2025-12-11. Review status: criteria provided, single submitter. Criteria: ACMG Guidelines, 2015. Collection method: clinical testing. Allele origin: germline.
Comment: The PRDM5 c.1156G>T variant is predicted to result in the amino acid substitution p.Ala386Ser. To our knowledge, this variant has not been reported in the literature. This variant is reported in 0.0066% of alleles in individuals of South Asian descent in gnomAD. At this time, the clinical significance of this variant is uncertain due to the absence of conclusive functional and genetic evidence.

Labcorp Genetics (formerly Invitae), Labcorp
Classification: Uncertain significance. Last evaluated: 2022-08-12. Review status: criteria provided, single submitter. Criteria: Invitae Variant Classification Sherloc (09022015). Collection method: clinical testing. Allele origin: germline.
Comment: This sequence change replaces alanine, which is neutral and non-polar, with serine, which is neutral and polar, at codon 386 of the PRDM5 protein (p.Ala386Ser). This variant is present in population databases (rs764553910, gnomAD 0.007%). This variant has not been reported in the literature in individuals affected with PRDM5-related conditions. Algorithms developed to predict the effect of missense changes on protein structure and function are either unavailable or do not agree on the potential impact of this missense change (SIFT: "Deleterious"; PolyPhen-2: "Probably Damaging"; Align-GVGD: "Class C0"). In summary, the available evidence is currently insufficient to determine the role of this variant in disease. Therefore, it has been classified as a Variant of Uncertain Significance.

NM_018699.4(PRDM5):c.1156G>T (p.Ala386Ser)

Gene: PRDM5 (PR/SET domain 5; minus strand). Cytogenetic location: 4q27.
Variant type: single nucleotide variant.
Coding change: c.1156G>T on transcript NM_018699.4 (MANE Select); coding-DNA position 1156, G replaced by T.
Protein change: p.Ala386Ser; replaces alanine 386 with serine.
Molecular consequence: missense variant.
Genome position (GRCh38, 1-based): chr4:120,798,299, C>A on the plus strand (G>T on the coding strand, the complement: PRDM5 is on the minus strand). VCF-style: chr4-120798299-C-A. GRCh37 (hg19) VCF-style: chr4-121719454-C-A.
Other names: c.1063G>T, p.Ala355Ser (NM_001300823.2, NM_001300824.2, NM_001379106.1); c.1189G>T, p.Ala397Ser (NM_001379104.1); c.1156G>T (NM_018699.3); short protein forms A355S, A386S, A397S.
Identifiers: ClinVar variation 1912173 (VCV001912173.3), dbSNP rs764553910, ClinGen allele CA3061140.